The following is an entry in ClinVar:

ClinVar aggregate classification (germline): Uncertain significance (1 of 4 stars; one submission).

Conditions:
Inborn genetic diseases. Identifiers: MedGen C0950123, MeSH D030342.

Submission:

Ambry Genetics
Classification: Uncertain significance for Inborn genetic diseases. Last evaluated: 2019-08-23. Review status: criteria provided, single submitter. Criteria: Ambry Variant Classification Scheme 2023. Collection method: clinical testing. Allele origin: germline.
Comment: The c.7821T>G (p.N2607K) alteration is located in exon 42 (coding exon 42) of the DST gene. This alteration results from a T to G substitution at nucleotide position 7821, causing the asparagine (N) at amino acid position 2607 to be replaced by a lysine (K). The alteration is not observed in population databases: Based on data from the Genome Aggregation Database (gnomAD), the DST c.7821T>G alteration was not observed, with coverage at this position. This amino acid position is not well conserved in available vertebrate species. The alteration is predicted tolerated by in silico modeling:_x000D_ _x000D_ The p.N2607K alteration is predicted to be tolerated by in silico analysis. Based on insufficient or conflicting evidence, the clinical significance of this alteration remains unclear.

NM_001374736.1(DST):c.15690T>G (p.Asn5230Lys)

Gene: DST (dystonin; minus strand). Cytogenetic location: 6p12.1.
Variant type: single nucleotide variant.
Coding change: c.15690T>G on transcript NM_001374736.1 (MANE Select); coding-DNA position 15690, T replaced by G.
Protein change: p.Asn5230Lys; replaces asparagine 5230 with lysine.
Molecular consequence: missense variant.
Genome position (GRCh38, 1-based): chr6:56,553,102, A>C on the plus strand (T>G on the coding strand, the complement: DST is on the minus strand). VCF-style: chr6-56553102-A-C. GRCh37 (hg19) VCF-style: chr6-56417900-A-C.
Other names: c.15690T>G, p.Asn5230Lys (NM_001374722.1); c.15057T>G, p.Asn5019Lys (NM_001374729.1); c.9333T>G, p.Asn3111Lys (NM_001144769.5); c.8919T>G, p.Asn2973Lys (NM_001144770.2); c.8799T>G, p.Asn2933Lys (NM_001374730.1, NM_001386100.1, NM_183380.4); c.15717T>G, p.Asn5239Lys (NM_001374734.1); c.7821T>G, p.Asn2607Lys (NM_015548.5); short protein forms N2607K, N2933K, N2973K, N3111K, N5019K, N5230K, N5239K.
Identifiers: ClinVar variation 3076107 (VCV003076107.1), dbSNP rs2152555853, ClinGen allele CA364516422.